The following is an entry in ClinVar:

NM_178859.4(SLC51B):c.188+3G>A

Genes: RASL12 (RAS like family 12; minus strand), SLC51B (SLC51 subunit beta; plus strand). Cytogenetic location: 15q22.31.
Variant type: single nucleotide variant.
Coding change: c.188+3G>A on transcript NM_178859.4 (MANE Select); 3 bases into the intron after coding-DNA position 188, G replaced by A.
Molecular consequence: intron variant.
Genome position (GRCh38, 1-based): chr15:65,051,608, G>A. VCF-style: chr15-65051608-G-A. GRCh37 (hg19) VCF-style: chr15-65343946-G-A.
Identifiers: ClinVar variation 2729779 (VCV002729779.3), dbSNP rs199611886, ClinGen allele CA7613485.

ClinVar aggregate classification (germline): Uncertain significance (1 of 4 stars; one submission).

Allele frequency attached by ClinVar (database versions not stated): ExAC 0.00001; TOPMed 0.00001; gnomAD 0.00003; gnomAD exomes 0.00006.
gnomAD v4.1: 91 of 1,613,026 alleles (0.0056%); highest among the groups gnomAD compares: Non-Finnish European, 0.0075%; no homozygotes.

Submission:

Labcorp Genetics (formerly Invitae), Labcorp
Classification: Uncertain significance. Last evaluated: 2023-11-15. Review status: criteria provided, single submitter. Criteria: Invitae Variant Classification Sherloc (09022015). Collection method: clinical testing. Allele origin: germline.
Comment: This sequence change falls in intron 3 of the SLC51B gene. It does not directly change the encoded amino acid sequence of the SLC51B protein. It affects a nucleotide within the consensus splice site. This variant is present in population databases (rs199611886, gnomAD 0.003%). This variant has not been reported in the literature in individuals affected with SLC51B-related conditions. Variants that disrupt the consensus splice site are a relatively common cause of aberrant splicing (PMID: 17576681, 9536098). Algorithms developed to predict the effect of sequence changes on RNA splicing suggest that this variant is not likely to affect RNA splicing. In summary, the available evidence is currently insufficient to determine the role of this variant in disease. Therefore, it has been classified as a Variant of Uncertain Significance.

Literature cited by the submitters: PubMed 17576681; PubMed 9536098.